The following is an entry in ClinVar:

ClinVar aggregate classification (germline): Uncertain significance (1 of 4 stars; one submission).

gnomAD v4.1: 19 of 1,612,114 alleles (0.0012%); highest among the groups gnomAD compares: African/African-American, 0.008%; no homozygotes.

Submission:

GeneDx
Classification: Uncertain significance. Last evaluated: 2025-03-02. Review status: criteria provided, single submitter. Criteria: GeneDx Variant Classification Process June 2021. Collection method: clinical testing. Allele origin: germline. Affected: yes.
Comment: Not observed at significant frequency in large population cohorts (gnomAD); In silico analysis indicates that this missense variant does not alter protein structure/function; Has not been previously published as pathogenic or benign to our knowledge

NM_182925.5(FLT4):c.760G>A (p.Val254Met)

Gene: FLT4 (fms related receptor tyrosine kinase 4; minus strand). Cytogenetic location: 5q35.3.
Variant type: single nucleotide variant.
Coding change: c.760G>A on transcript NM_182925.5 (MANE Select); coding-DNA position 760, G replaced by A.
Protein change: p.Val254Met; replaces valine 254 with methionine.
Molecular consequence: missense variant.
Genome position (GRCh38, 1-based): chr5:180,629,752, C>T on the plus strand (G>A on the coding strand, the complement: FLT4 is on the minus strand). VCF-style: chr5-180629752-C-T. GRCh37 (hg19) VCF-style: chr5-180056752-C-T.
Other names: c.760G>A, p.Val254Met (NM_001354989.2, NM_002020.5); short protein forms V254M.
Identifiers: ClinVar variation 4082562 (VCV004082562.1).
Genomic context (GRCh38, chr5:180,629,752, plus strand): 5'-TCACCTGCTTCCCTGGGTAGTCCCAGTCAAAGGTGACACCTGAGTTAAACTCAGCCCACA[C>T]GGTGCAGTTCAGGACCAGCTTCTCCCCTACCAGCAGCTCCAGCGACTTCCTGGGCAACAG-3'
Protein context (NP_891555.2, residues 244-264): VGEKLVLNCT[Val254Met]WAEFNSGVTF